The following is an entry in ClinVar:

ClinVar aggregate classification (germline): Pathogenic. Review status: reviewed by expert panel (3 of 4 stars). 2 submissions from 2 submitters: Pathogenic (1). 1 of the submissions does not count toward it. Last evaluated 2016-10-18.

Conditions:
Breast-ovarian cancer, familial, susceptibility to, 2 (BROVCA2). Also called: BRCA2 Hereditary Breast and Ovarian Cancer. Identifiers: Orphanet 145, MedGen C2675520, MONDO:0012933, OMIM 612555. Disease mechanism: loss of function.

Submissions (2):

Evidence-based Network for the Interpretation of Germline Mutant Alleles (ENIGMA)
Classification: Pathogenic for Breast-ovarian cancer, familial, susceptibility to, 2. Last evaluated: 2016-10-18. Review status: reviewed by expert panel. Criteria: ENIGMA BRCA1/2 Classification Criteria (2015). Collection method: curation. Allele origin: germline.
Comment: Variant allele predicted to encode a truncated non-functional protein.

Consortium of Investigators of Modifiers of BRCA1/2 (CIMBA), c/o University of Cambridge
Classification: Pathogenic for Breast-ovarian cancer, familial, susceptibility to, 2. Last evaluated: 2015-10-02. Review status: criteria provided, single submitter. Criteria: CIMBA Mutation Classification guidelines May 2016. Collection method: clinical testing. Allele origin: germline. Not counted in ClinVar's aggregate classification.

NM_000059.4(BRCA2):c.5653dup (p.Cys1885fs)

Gene: BRCA2 (BRCA2 DNA repair associated; plus strand). Cytogenetic location: 13q13.1.
Variant type: Duplication.
Coding change: c.5653dup on transcript NM_000059.4 (MANE Select); coding-DNA position 5653, one base duplicated (T; older notation c.5653dupT).
Protein change: p.Cys1885fs; shifts the reading frame from cysteine 1885.
Molecular consequence: frameshift variant.
Genome position (GRCh38, 1-based): chr13:32,340,008, T duplicated; the last of 3 consecutive T bases (chr13:32,340,006-32,340,008); duplicating any one gives the same sequence. VCF-style (leftmost placement, unchanged base first): chr13-32340005-A-AT. GRCh37 (hg19) VCF-style: chr13-32914142-A-AT.
Other names: 5881insT; short protein forms C1885fs.
Identifiers: ClinVar variation 266887 (VCV000266887.7), dbSNP rs886040602, ClinGen allele CA10589324.
Genomic context (GRCh38, chr13:32,340,005, plus strand): 5'-GACATATTTACAGACAGTTTCAGTAAAGTAATTAAGGAAAACAACGAGAATAAATCAAAA[A>AT]TTTGCCAAACGAAAATTATGGCAGGTTGTTACGAGGCATTGGATGATTCAGAGGATATTC-3'